The following is an entry in ClinVar:

NM_001165963.4(SCN1A):c.4002+2085_4002+2087del

Genes: SCN1A (sodium voltage-gated channel alpha subunit 1; minus strand), LOC102724058 (uncharacterized LOC102724058; plus strand). Cytogenetic location: 2q24.3.
Variant type: Microsatellite.
Coding change: c.4002+2085_4002+2087del on transcript NM_001165963.4 (MANE Select); bases 2085 to 2087 of the intron after coding-DNA position 4002, 3 bases deleted (TCA; older notation c.4002+2085_4002+2087delTCA).
Molecular consequence: intron variant.
Genome position (GRCh38, 1-based): chr2:166,007,632-166,007,634, TGA deleted on the plus strand (TCA on the coding strand, the reverse complement: SCN1A is on the minus strand); deleting any 3 consecutive bases within chr2:166,007,632-166,007,638 gives the same sequence; the c. name uses the placement nearest the transcript's 3' end. VCF-style (leftmost placement, unchanged base first): chr2-166007631-GTGA-G. GRCh37 (hg19) VCF-style: chr2-166864141-GTGA-G.
Other names: c.3969+2085_3969+2087del (NM_001353949.2, NM_001353950.2, NM_001353951.2 and 2 more transcripts); c.3918+2085_3918+2087del (NM_001353958.2, NM_001353957.2, NM_001165964.3); c.4002+2085_4002+2087del (NM_001202435.3, NM_001353948.2); c.3966+2085_3966+2087del (NM_001353955.2, NM_001353954.2); c.3915+2085_3915+2087del (NM_001353960.2); c.1560+2085_1560+2087del (NM_001353961.2).
Identifiers: ClinVar variation 1922390 (VCV001922390.5), dbSNP rs1413558931, ClinGen allele CA537134263.

ClinVar aggregate classification (germline): Uncertain significance (1 of 4 stars; one submission).

Conditions:
Early-infantile DEE. Also called: Ohtahara syndrome; Early infantile epileptic encephalopathy with suppression bursts; Early infantile epileptic encephalopathy. Identifiers: Orphanet 1934, MedGen C0393706, MONDO:0800491.

Submission:

Labcorp Genetics (formerly Invitae), Labcorp
Classification: Uncertain significance for Early-infantile DEE. Last evaluated: 2025-04-11. Review status: criteria provided, single submitter. Criteria: Invitae Variant Classification Sherloc (09022015). Collection method: clinical testing. Allele origin: germline.
Comment: This sequence change falls in intron 20 of the SCN1A gene. It does not directly change the encoded amino acid sequence of the SCN1A protein. However, this sequence change falls within a region encompassing a cryptic exon in the SCN1A gene, in which variants have been shown to alter splicing (PMID: 30526861, 34107977). This variant is present in population databases (no rsID available, gnomAD 0.06%). This variant has been observed in individual(s) with clinical features of SCN1A-related conditions (internal data). Algorithms developed to predict the effect of sequence changes on RNA splicing suggest that this variant is not likely to affect RNA splicing. In summary, the available evidence is currently insufficient to determine the role of this variant in disease. Therefore, it has been classified as a Variant of Uncertain Significance.

Literature cited by the submitters: PubMed 30526861; PubMed 34107977.